The following is an entry in ClinVar:

NC_000011.9:g.(?_2187460)_(2191953_?)del

Gene: TH (tyrosine hydroxylase; minus strand). Cytogenetic location: 11p15.5.
Variant type: Deletion.
Identifiers: ClinVar variation 1460233 (VCV001460233.7).

ClinVar aggregate classification (germline): Pathogenic (1 of 4 stars; one submission).

Conditions:
TH-deficient dopa-responsive dystonia. Also called: Tyrosine Hydroxylase-Deficient Dopa-Responsive Dystonia; Segawa syndrome, autosomal recessive; DYT-TH. Identifiers: Orphanet 101150, MedGen C2673535, MONDO:0011551, OMIM 605407.

Submission:

Labcorp Genetics (formerly Invitae), Labcorp
Classification: Pathogenic for TH-deficient dopa-responsive dystonia. Last evaluated: 2023-05-08. Review status: criteria provided, single submitter. Criteria: Invitae Variant Classification Sherloc (09022015). Collection method: clinical testing. Allele origin: germline.
Comment: This variant has not been reported in the literature in individuals affected with TH-related conditions. For these reasons, this variant has been classified as Pathogenic. This variant disrupts the p.Arg337 amino acid residue in TH. Other variant(s) that disrupt this residue have been determined to be pathogenic (PMID: 11246459). This suggests that this residue is clinically significant, and that variants that disrupt this residue are likely to be disease-causing. This variant results in the deletion of exons 3-10 and part of exon 2 (c.150_1141-172del) of the TH gene. It is expected to disrupt RNA splicing. Variants that disrupt the donor or acceptor splice site typically lead to a loss of protein function (PMID: 16199547), and loss-of-function variants in TH are known to be pathogenic (PMID: 22264700, 24753243).

Literature cited by the submitters: PubMed 11246459; PubMed 16199547; PubMed 22264700; PubMed 24753243.